The following is an entry in ClinVar:

ClinVar aggregate classification (germline): Uncertain significance. Review status: criteria provided, multiple submitters, no conflicts (2 of 4 stars). 2 submissions from 2 submitters: Uncertain significance (2). Last evaluated 2025-08-29.

Conditions:
Inborn genetic diseases. Identifiers: MedGen C0950123, MeSH D030342.

Allele frequency attached by ClinVar (database versions not stated): ExAC 0.00007; TOPMed 0.00012; ESP Exome Variant Server 0.00015; gnomAD 0.00017; 1000 Genomes Project 0.00040; 1000 Genomes Project 30x 0.00047.
gnomAD v4.1: 46 of 1,614,042 alleles (0.0028%); highest among the groups gnomAD compares: African/African-American, 0.059%; no homozygotes.

Submissions (2):

Ambry Genetics
Classification: Uncertain significance for Inborn genetic diseases. Last evaluated: 2025-08-29. Review status: criteria provided, single submitter. Criteria: Ambry Variant Classification Scheme 2023. Collection method: clinical testing. Allele origin: germline.

Labcorp Genetics (formerly Invitae), Labcorp
Classification: Uncertain significance. Last evaluated: 2022-08-10. Review status: criteria provided, single submitter. Criteria: Invitae Variant Classification Sherloc (09022015). Collection method: clinical testing. Allele origin: germline.
Comment: This sequence change replaces methionine, which is neutral and non-polar, with lysine, which is basic and polar, at codon 482 of the CSGALNACT1 protein (p.Met482Lys). This variant is present in population databases (rs74336185, gnomAD 0.1%). This variant has not been reported in the literature in individuals affected with CSGALNACT1-related conditions. Algorithms developed to predict the effect of missense changes on protein structure and function (SIFT, PolyPhen-2, Align-GVGD) all suggest that this variant is likely to be tolerated. In summary, the available evidence is currently insufficient to determine the role of this variant in disease. Therefore, it has been classified as a Variant of Uncertain Significance.

NM_001354483.2(CSGALNACT1):c.1445T>A (p.Met482Lys)

Gene: CSGALNACT1 (chondroitin sulfate N-acetylgalactosaminyltransferase 1; minus strand). Cytogenetic location: 8p21.3.
Variant type: single nucleotide variant.
Coding change: c.1445T>A on transcript NM_001354483.2 (MANE Select); coding-DNA position 1445, T replaced by A.
Protein change: p.Met482Lys; replaces methionine 482 with lysine.
Molecular consequence: missense variant. On other transcripts: non-coding transcript variant (7).
Genome position (GRCh38, 1-based): chr8:19,405,934, A>T on the plus strand (T>A on the coding strand, the complement: CSGALNACT1 is on the minus strand). VCF-style: chr8-19405934-A-T. GRCh37 (hg19) VCF-style: chr8-19263445-A-T.
Other names: c.1445T>A, p.Met482Lys (NM_001130518.2, NM_001354475.2, NM_001354476.2 and 18 more transcripts); c.1445T>A (NM_001130518.1); short protein forms M482K.
Identifiers: ClinVar variation 1908258 (VCV001908258.3), dbSNP rs74336185, ClinGen allele CA4653757.